The following is an entry in ClinVar:

NM_001083962.2(TCF4):c.550-22817A>G

Gene: TCF4 (transcription factor 4; minus strand). Cytogenetic location: 18q21.2.
Variant type: single nucleotide variant.
Coding change: c.550-22817A>G on transcript NM_001083962.2 (MANE Select); 22817 bases into the intron before coding-DNA position 550, A replaced by G.
Molecular consequence: intron variant. On other transcripts: synonymous variant (2).
Genome position (GRCh38, 1-based): chr18:55,302,473, T>C on the plus strand (A>G on the coding strand, the complement: TCF4 is on the minus strand). VCF-style: chr18-55302473-T-C. GRCh37 (hg19) VCF-style: chr18-52969704-T-C.
Other names: c.12A>G, p.Lys4= (NM_001243236.2, NM_001348216.2); c.856-22817A>G (NM_001243226.3); c.475-22817A>G (NM_001369584.1, NM_001369576.1, NM_001369585.1 and 3 more transcripts); c.478-22817A>G (NM_001369577.1, NM_001369582.1, NM_001243227.2 and 9 more transcripts); c.550-22817A>G (NM_001369571.1, NM_001369567.1, NM_001369572.1 and 4 more transcripts); c.550-22799A>G (NM_001243228.2); c.544-22817A>G (NM_001243230.2); c.547-22817A>G (NM_001369569.1, NM_001369573.1, NM_001369570.1); and 5 more.
Identifiers: ClinVar variation 4873426 (VCV004873426.2).

ClinVar aggregate classification (germline): Likely benign (1 of 4 stars; one submission).

gnomAD v4.1: 9 of 1,536,222 alleles (0.00059%); highest among the groups gnomAD compares: Admixed American, 0.018%; no homozygotes.

Submission:

CeGaT Center for Human Genetics Tuebingen
Classification: Likely benign. Last evaluated: 2026-05-01. Review status: criteria provided, single submitter. Criteria: CeGaT Center For Human Genetics Tuebingen Variant Classification Criteria Version 2. Collection method: clinical testing. Allele origin: germline. Affected: yes. Observed: 1 variant allele.
Comment: TCF4: BP4